The following is an entry in ClinVar:

ClinVar aggregate classification (germline): Uncertain significance (1 of 4 stars; one submission).

Allele frequency attached by ClinVar (database versions not stated): gnomAD 0.00001.
gnomAD v4.1: 7 of 1,609,922 alleles (0.00043%); highest among the groups gnomAD compares: Non-Finnish European, 0.00059%; no homozygotes.

Submission:

Women's Health and Genetics/Laboratory Corporation of America, LabCorp
Classification: Uncertain significance. Last evaluated: 2024-04-26. Review status: criteria provided, single submitter. Criteria: LabCorp Variant Classification Summary - May 2015. Collection method: clinical testing. Allele origin: germline.
Comment: Variant summary: NOVA2 c.1205C>T (p.Ala402Val) results in a non-conservative amino acid change in the encoded protein sequence. Three of five in-silico tools predict a benign effect of the variant on protein function. The variant allele was found at a frequency of 4.1e-06 in 242752 control chromosomes. The available data on variant occurrences in the general population are insufficient to allow any conclusion about variant significance. To our knowledge, no occurrence of c.1205C>T in individuals affected with Neurodevelopmental Disorder With Or Without Autistic Features And/or Structural Brain Abnormalities and no experimental evidence demonstrating its impact on protein function have been reported. No submitters have cited clinical-significance assessments for this variant to ClinVar. Based on the evidence outlined above, the variant was classified as uncertain significance.

NM_002516.4(NOVA2):c.1205C>T (p.Ala402Val)

Gene: NOVA2 (NOVA alternative splicing regulator 2; minus strand). Cytogenetic location: 19q13.32.
Variant type: single nucleotide variant.
Coding change: c.1205C>T on transcript NM_002516.4 (MANE Select); coding-DNA position 1205, C replaced by T.
Protein change: p.Ala402Val; replaces alanine 402 with valine.
Molecular consequence: missense variant.
Genome position (GRCh38, 1-based): chr19:45,940,137, G>A on the plus strand (C>T on the coding strand, the complement: NOVA2 is on the minus strand). VCF-style: chr19-45940137-G-A. GRCh37 (hg19) VCF-style: chr19-46443395-G-A.
Other names: short protein forms A402V.
Identifiers: ClinVar variation 3251662 (VCV003251662.1), dbSNP rs771417065.